The following is an entry in ClinVar:

NM_001375834.1(WIPF1):c.182-31_182-18del

Genes: WIPF1 (WAS/WASL interacting protein family member 1; minus strand), WIPF1-AS1 (WIPF1 and CHRNA1 antisense RNA 1; plus strand). Cytogenetic location: 2q31.1.
Variant type: Deletion.
Coding change: c.182-31_182-18del on transcript NM_001375834.1 (MANE Select); 31 bases into the intron before coding-DNA position 182 through 18 bases into the intron before coding-DNA position 182, 14 bases deleted (CATAGTCTGTCGGG).
Molecular consequence: intron variant. On other transcripts: non-coding transcript variant (1).
Genome position (GRCh38, 1-based): chr2:174,575,398-174,575,411, CCCGACAGACTATG deleted on the plus strand (CATAGTCTGTCGGG on the coding strand, the reverse complement: WIPF1 is on the minus strand); deleting any 14 consecutive bases within chr2:174,575,398-174,575,414 gives the same sequence; the c. name uses the placement nearest the transcript's 3' end. VCF-style (leftmost placement, unchanged base first): chr2-174575397-ACCCGACAGACTATG-A. GRCh37 (hg19) VCF-style: chr2-175440125-ACCCGACAGACTATG-A.
Other names: c.182-31_182-18del (NM_001375835.1, NM_001077269.1, NM_003387.5 and 5 more transcripts); c.182-3166_182-3153del (NM_001375839.1).
Identifiers: ClinVar variation 4726784 (VCV004726784.1).
Genomic context (GRCh38, chr2:174,575,397, plus strand): 5'-ACCAAAGCCACCACCACCGCCTCCAGCACCAGCTCCTTTAGGTTCTGTAGAAGAAGAGAC[ACCCGACAGACTATG>A]CCCCCTGGTCTGGCCCAGGTAAACCATAAAACAACAGTACAACAGGGAGCTGGCCGGCTC-3'

ClinVar aggregate classification (germline): Uncertain significance (1 of 4 stars; one submission).

Conditions:
Wiskott-Aldrich syndrome 2 (WAS2). Also called: WIPF1 DEFICIENCY. Identifiers: Orphanet 906, MedGen C3281001, MONDO:0013779, OMIM 614493.

Submission:

Labcorp Genetics (formerly Invitae), Labcorp
Classification: Uncertain significance for Wiskott-Aldrich syndrome 2. Last evaluated: 2025-09-07. Review status: criteria provided, single submitter. Criteria: Invitae Variant Classification Sherloc (09022015). Collection method: clinical testing. Allele origin: germline.
Comment: This sequence change falls in intron 3 of the WIPF1 gene. It does not directly change the encoded amino acid sequence of the WIPF1 protein. This variant is present in population databases (rs764892694, gnomAD 0.007%). This variant has not been reported in the literature in individuals affected with WIPF1-related conditions. Experimental studies and prediction algorithms are not available or were not evaluated, and the effect of this variant on mRNA splicing is currently unknown. In summary, the available evidence is currently insufficient to determine the role of this variant in disease. Therefore, it has been classified as a Variant of Uncertain Significance.